The following is an entry in ClinVar:

ClinVar aggregate classification (germline): Conflicting classifications of pathogenicity. Review status: criteria provided, conflicting classifications (1 of 4 stars). 3 submissions from 3 submitters: Uncertain significance (1); Likely benign (1). 1 of the submissions does not count toward it. Last evaluated 2022-10-17.

Conditions:
CPT1A-related disorder. Also called: CPT1A-related condition.
Carnitine palmitoyl transferase 1A deficiency. Also called: Carnitine palmitoyltransferase type I deficiency; Carnitine palmitoyltransferase 1A deficiency; CPT I DEFICIENCY; CPT DEFICIENCY, HEPATIC, TYPE I; CPT deficiency, hepatic, type IA. Identifiers: Orphanet 156, MedGen C1829703, MONDO:0009705, OMIM 255120.

Allele frequency attached by ClinVar (database versions not stated): TOPMed 0.00062; ESP Exome Variant Server 0.00069; gnomAD 0.00079 and 0.00081.
gnomAD v4.1: 1,532 of 1,604,990 alleles (0.095%); highest among the groups gnomAD compares: Non-Finnish European, 0.12%; 1 homozygote.

Submissions (10):

Labcorp Genetics (formerly Invitae), Labcorp
Classification: Uncertain significance for Carnitine palmitoyl transferase 1A deficiency. Last evaluated: 2022-10-17. Review status: criteria provided, single submitter. Criteria: Invitae Variant Classification Sherloc (09022015). Collection method: clinical testing. Allele origin: germline.
Comment: This sequence change affects codon 714 of the CPT1A mRNA. It is a 'silent' change, meaning that it does not change the encoded amino acid sequence of the CPT1A protein. This variant also falls at the last nucleotide of exon 17, which is part of the consensus splice site for this exon. This variant is present in population databases (rs150792109, gnomAD 0.1%), and has an allele count higher than expected for a pathogenic variant. This variant has not been reported in the literature in individuals affected with CPT1A-related conditions. ClinVar contains an entry for this variant (Variation ID: 377755). Variants that disrupt the consensus splice site are a relatively common cause of aberrant splicing (PMID: 17576681, 9536098). Algorithms developed to predict the effect of sequence changes on RNA splicing suggest that this variant may create or strengthen a splice site. In summary, the available evidence is currently insufficient to determine the role of this variant in disease. Therefore, it has been classified as a Variant of Uncertain Significance.

GeneDx
Classification: Likely benign. Last evaluated: 2016-05-18. Review status: criteria provided, single submitter. Criteria: GeneDx Variant Classification (06012015). Collection method: clinical testing. Allele origin: germline. Affected: yes.
Comment: This variant is considered likely benign or benign based on one or more of the following criteria: it is a conservative change, it occurs at a poorly conserved position in the protein, it is predicted to be benign by multiple in silico algorithms, and/or has population frequency not consistent with disease.

PreventionGenetics, part of Exact Sciences
Classification: Likely benign for CPT1A-related condition. Last evaluated: 2020-03-09. Review status: no assertion criteria provided. Collection method: clinical testing. Allele origin: germline. Not counted in ClinVar's aggregate classification.
Comment: This variant is classified as likely benign based on ACMG/AMP sequence variant interpretation guidelines (Richards et al. 2015 PMID: 25741868, with internal and published modifications).

Dr. Peter K. Rogan Lab, Western University
No classification provided (evidence only). Condition: Clear cell carcinoma of kidney. Review status: no classification provided. Collection method: in vitro. Allele origin: not applicable. Functional consequence: retained intron. Not counted in ClinVar's aggregate classification.

Dr. Peter K. Rogan Lab, Western University
No classification provided (evidence only). Condition: Clear cell carcinoma of kidney. Review status: no classification provided. Collection method: in vitro. Allele origin: not applicable. Functional consequence: retained intron. Not counted in ClinVar's aggregate classification.

Dr. Peter K. Rogan Lab, Western University
No classification provided (evidence only). Condition: Thyroid cancer, nonmedullary, 1. Review status: no classification provided. Collection method: in vitro. Allele origin: not applicable. Functional consequence: retained intron. Not counted in ClinVar's aggregate classification.

Dr. Peter K. Rogan Lab, Western University
No classification provided (evidence only). Condition: Sarcoma. Review status: no classification provided. Collection method: in vitro. Allele origin: not applicable. Functional consequence: retained intron. Not counted in ClinVar's aggregate classification.

Dr. Peter K. Rogan Lab, Western University
No classification provided (evidence only). Condition: Nonpapillary renal cell carcinoma. Review status: no classification provided. Collection method: in vitro. Allele origin: not applicable. Functional consequence: retained intron. Not counted in ClinVar's aggregate classification.

Dr. Peter K. Rogan Lab, Western University
No classification provided (evidence only). Condition: Ovarian serous cystadenocarcinoma. Review status: no classification provided. Collection method: in vitro. Allele origin: not applicable. Functional consequence: retained intron. Not counted in ClinVar's aggregate classification.

Dr. Peter K. Rogan Lab, Western University
No classification provided (evidence only). Condition: Malignant tumor of esophagus. Review status: no classification provided. Collection method: in vitro. Allele origin: not applicable. Functional consequence: retained intron. Not counted in ClinVar's aggregate classification.

Literature cited by the submitters: PubMed 17576681 (cited by Labcorp Genetics (formerly Invitae), Labcorp); PubMed 9536098 (cited by Labcorp Genetics (formerly Invitae), Labcorp).

NM_001876.4(CPT1A):c.2142G>A (p.Pro714=)

Gene: CPT1A (carnitine palmitoyltransferase 1A; minus strand). Cytogenetic location: 11q13.3.
Variant type: single nucleotide variant.
Coding change: c.2142G>A on transcript NM_001876.4 (MANE Select); coding-DNA position 2142, G replaced by A.
Protein change: p.Pro714=; no amino-acid change (proline 714 retained).
Molecular consequence: synonymous variant.
Genome position (GRCh38, 1-based): chr11:68,760,225, C>T on the plus strand (G>A on the coding strand, the complement: CPT1A is on the minus strand). VCF-style: chr11-68760225-C-T. GRCh37 (hg19) VCF-style: chr11-68527693-C-T.
Other names: c.2142G>A, p.Pro714= (NM_001031847.3).
Identifiers: ClinVar variation 377755 (VCV000377755.7), dbSNP rs150792109, ClinGen allele CA6152088.